The following is an entry in ClinVar:

NM_018089.3(ANKZF1):c.338T>C (p.Leu113Pro)

Gene: ANKZF1 (ankyrin repeat and zinc finger peptidyl tRNA hydrolase 1; plus strand). Cytogenetic location: 2q35.
Variant type: single nucleotide variant.
Coding change: c.338T>C on transcript NM_018089.3 (MANE Select); coding-DNA position 338, T replaced by C.
Protein change: p.Leu113Pro; replaces leucine 113 with proline.
Molecular consequence: missense variant. On other transcripts: intron variant (1).
Genome position (GRCh38, 1-based): chr2:219,232,336, T>C. VCF-style: chr2-219232336-T-C. GRCh37 (hg19) VCF-style: chr2-220097058-T-C.
Other names: c.338T>C, p.Leu113Pro (NM_001042410.2); c.-266-154T>C (NM_001282792.2); c.338T>C (NM_018089.2); short protein forms L113P.
Identifiers: ClinVar variation 2070227 (VCV002070227.5), dbSNP rs747589774, ClinGen allele CA2120714.
Genomic context (GRCh38, chr2:219,232,336, plus strand): 5'-TTGACTGGCATCGGTTTAACCTAAAGCAACGTCTCAAGGACAAGCCTCTCCTGTCTGCCC[T>C]GGACTTTGAAAAGCAGAGCTCCACAGGTGATGAGTGGTAGGGGGACCTATGTAGGAGTAG-3'
Protein context (NP_060559.2, residues 103-123): RLKDKPLLSA[Leu113Pro]DFEKQSSTGD

ClinVar aggregate classification (germline): Uncertain significance. Review status: criteria provided, multiple submitters, no conflicts (2 of 4 stars). 2 submissions from 2 submitters: Uncertain significance (2). Last evaluated 2025-04-11.

Allele frequency attached by ClinVar (database versions not stated): ExAC 0.00001; gnomAD 0.00001; gnomAD exomes 0.00001; TOPMed 0.00003.
gnomAD v4.1: 13 of 1,614,130 alleles (0.00081%); highest among the groups gnomAD compares: African/African-American, 0.0053%; no homozygotes.

Submissions (2):

Ambry Genetics
Classification: Uncertain significance. Last evaluated: 2025-04-11. Review status: criteria provided, single submitter. Criteria: Ambry Variant Classification Scheme 2023. Collection method: clinical testing. Allele origin: germline.

Labcorp Genetics (formerly Invitae), Labcorp
Classification: Uncertain significance. Last evaluated: 2025-02-17. Review status: criteria provided, single submitter. Criteria: Invitae Variant Classification Sherloc (09022015). Collection method: clinical testing. Allele origin: germline.
Comment: This sequence change replaces leucine, which is neutral and non-polar, with proline, which is neutral and non-polar, at codon 113 of the ANKZF1 protein (p.Leu113Pro). This variant is present in population databases (rs747589774, gnomAD 0.01%). This variant has not been reported in the literature in individuals affected with ANKZF1-related conditions. ClinVar contains an entry for this variant (Variation ID: 2070227). An algorithm developed to predict the effect of missense changes on protein structure and function (PolyPhen-2) suggests that this variant is likely to be tolerated. In summary, the available evidence is currently insufficient to determine the role of this variant in disease. Therefore, it has been classified as a Variant of Uncertain Significance.